The following is an entry in ClinVar:

NM_005228.5(EGFR):c.2293G>T (p.Val765Leu)

Genes: EGFR-AS1 (EGFR antisense RNA 1; minus strand), EGFR (epidermal growth factor receptor; plus strand). Cytogenetic location: 7p11.2.
Variant type: single nucleotide variant.
Coding change: c.2293G>T on transcript NM_005228.5 (MANE Select); coding-DNA position 2293, G replaced by T.
Protein change: p.Val765Leu; replaces valine 765 with leucine.
Molecular consequence: missense variant. On other transcripts: non-coding transcript variant (1).
Genome position (GRCh38, 1-based): chr7:55,181,302, G>T. VCF-style: chr7-55181302-G-T. GRCh37 (hg19) VCF-style: chr7-55248995-G-T.
Other names: c.2158G>T, p.Val720Leu (NM_001346897.2, NM_001346899.2); c.2293G>T, p.Val765Leu (NM_001346898.2); c.2134G>T, p.Val712Leu (NM_001346900.2); c.1492G>T, p.Val498Leu (NM_001346941.2); short protein forms V498L, V712L, V720L, V765L.
Identifiers: ClinVar variation 856739 (VCV000856739.10), dbSNP rs374873413, ClinGen allele CA367578538.

ClinVar aggregate classification (germline): Uncertain significance. Review status: criteria provided, multiple submitters, no conflicts (2 of 4 stars). 2 submissions from 2 submitters: Uncertain significance (2). Last evaluated 2025-05-21.

Conditions:
Hereditary cancer-predisposing syndrome. Also called: Tumor predisposition; Hereditary neoplastic syndrome; Neoplastic Syndromes, Hereditary; Hereditary Cancer Syndrome. Identifiers: Orphanet 140162, MedGen C0027672, MeSH D009386, MONDO:0015356.
EGFR-related lung cancer (EGFR). Identifiers: MedGen CN130014.

gnomAD v4.1: 1 of 1,614,154 alleles (0.000062%); highest among the groups gnomAD compares: Non-Finnish European, 0.000085%; no homozygotes.

Submissions (2):

Ambry Genetics
Classification: Uncertain significance for Hereditary cancer-predisposing syndrome. Last evaluated: 2025-05-21. Review status: criteria provided, single submitter. Criteria: Ambry Variant Classification Scheme 2023. Collection method: clinical testing. Allele origin: germline.
Comment: The p.V765L variant (also known as c.2293G>T), located in coding exon 20 of the EGFR gene, results from a G to T substitution at nucleotide position 2293. The valine at codon 765 is replaced by leucine, an amino acid with highly similar properties. This amino acid position is highly conserved in available vertebrate species. In addition, the in silico prediction for this alteration is inconclusive. Based on the available evidence, the clinical significance of this variant remains unclear.

Labcorp Genetics (formerly Invitae), Labcorp
Classification: Uncertain significance for EGFR-related lung cancer. Last evaluated: 2024-07-08. Review status: criteria provided, single submitter. Criteria: Invitae Variant Classification Sherloc (09022015). Collection method: clinical testing. Allele origin: germline.
Comment: This sequence change replaces valine, which is neutral and non-polar, with leucine, which is neutral and non-polar, at codon 765 of the EGFR protein (p.Val765Leu). This variant is not present in population databases (gnomAD no frequency). This variant has not been reported in the literature in individuals affected with EGFR-related conditions. ClinVar contains an entry for this variant (Variation ID: 856739). Advanced modeling of protein sequence and biophysical properties (such as structural, functional, and spatial information, amino acid conservation, physicochemical variation, residue mobility, and thermodynamic stability) performed at Invitae indicates that this missense variant is not expected to disrupt EGFR protein function with a negative predictive value of 80%. In summary, the available evidence is currently insufficient to determine the role of this variant in disease. Therefore, it has been classified as a Variant of Uncertain Significance.